The following is an entry in ClinVar:

ClinVar aggregate classification (germline): Uncertain significance (1 of 4 stars; one submission).

Submission:

Labcorp Genetics (formerly Invitae), Labcorp
Classification: Uncertain significance. Last evaluated: 2025-09-05. Review status: criteria provided, single submitter. Criteria: Invitae Variant Classification Sherloc (09022015). Collection method: clinical testing. Allele origin: germline.
Comment: This sequence change replaces glycine, which is neutral and non-polar, with arginine, which is basic and polar, at codon 2973 of the DCHS1 protein (p.Gly2973Arg). This variant is not present in population databases (gnomAD no frequency). This variant has not been reported in the literature in individuals affected with DCHS1-related conditions. Invitae Evidence Modeling of protein sequence and biophysical properties (such as structural, functional, and spatial information, amino acid conservation, physicochemical variation, residue mobility, and thermodynamic stability) indicates that this missense variant is not expected to disrupt DCHS1 protein function with a negative predictive value of 95%. In summary, the available evidence is currently insufficient to determine the role of this variant in disease. Therefore, it has been classified as a Variant of Uncertain Significance.

NM_003737.4(DCHS1):c.8917G>C (p.Gly2973Arg)

Gene: DCHS1 (dachsous cadherin-related 1; minus strand). Cytogenetic location: 11p15.4.
Variant type: single nucleotide variant.
Coding change: c.8917G>C on transcript NM_003737.4 (MANE Select); coding-DNA position 8917, G replaced by C.
Protein change: p.Gly2973Arg; replaces glycine 2973 with arginine.
Molecular consequence: missense variant.
Genome position (GRCh38, 1-based): chr11:6,622,759, C>G on the plus strand (G>C on the coding strand, the complement: DCHS1 is on the minus strand). VCF-style: chr11-6622759-C-G. GRCh37 (hg19) VCF-style: chr11-6643990-C-G.
Other names: short protein forms G2973R.
Identifiers: ClinVar variation 4803241 (VCV004803241.1).